The following is an entry in ClinVar:

ClinVar aggregate classification (germline): Conflicting classifications of pathogenicity. Review status: criteria provided, conflicting classifications (1 of 4 stars). 8 submissions from 8 submitters: Uncertain significance (4); Benign (1); Likely benign (2). 1 of the submissions does not count toward it. Last evaluated 2025-10-28.

Conditions:
Classic or attenuated familial adenomatous polyposis. Identifiers: MedGen CN372698, MONDO:0021057.
Hereditary cancer-predisposing syndrome. Also called: Hereditary neoplastic syndrome; Hereditary Cancer Syndrome; Neoplastic Syndromes, Hereditary; Tumor predisposition. Identifiers: Orphanet 140162, MedGen C0027672, MeSH D009386, MONDO:0015356.
Familial adenomatous polyposis 1 (FAP1). Also called: FAMILIAL ADENOMATOUS POLYPOSIS 1, ATTENUATED; POLYPOSIS, ADENOMATOUS INTESTINAL. Identifiers: MedGen C2713442, MONDO:0021056, OMIM 175100. Disease mechanism: loss of function.

Allele frequency attached by ClinVar (database versions not stated): gnomAD 0.00001; gnomAD exomes 0.00001; ExAC 0.00002; TOPMed 0.00002.
gnomAD v4.1: 19 of 1,613,762 alleles (0.0012%); highest among the groups gnomAD compares: Admixed American, 0.017%; no homozygotes.

Submissions (8):

Labcorp Genetics (formerly Invitae), Labcorp
Classification: Benign for Familial adenomatous polyposis 1. Last evaluated: 2025-10-28. Review status: criteria provided, single submitter. Criteria: Invitae Variant Classification Sherloc (09022015). Collection method: clinical testing. Allele origin: germline.

Color Diagnostics, LLC DBA Color Health
Classification: Likely benign for Hereditary cancer-predisposing syndrome. Last evaluated: 2025-04-14. Review status: criteria provided, single submitter. Criteria: ACMG Guidelines, 2015. Collection method: clinical testing. Allele origin: germline.

Quest Diagnostics Nichols Institute San Juan Capistrano
Classification: Uncertain significance. Last evaluated: 2025-03-10. Review status: criteria provided, single submitter. Criteria: Quest Diagnostics criteria. Collection method: clinical testing. Allele origin: unknown.
Comment: The APC c.5981A>T (p.Asp1994Val) variant has not been reported in individuals as a germline variant with APC-related conditions in the published literature. The frequency of this variant in the general population (Genome Aggregation Database) is uninformative in the assessment of its pathogenicity. Analysis of this variant using bioinformatics tools for the prediction of the effect of amino acid changes on protein structure and function yielded predictions that this variant is benign. Based on the available information, we are unable to determine the clinical significance of this variant.

All of Us Research Program, National Institutes of Health
Classification: Uncertain significance for Classic or attenuated familial adenomatous polyposis. Last evaluated: 2024-07-20. Review status: criteria provided, single submitter. Criteria: ACMG Guidelines, 2015. Collection method: clinical testing. Allele origin: germline. Inheritance: Autosomal dominant inheritance. Observed: 7 variant alleles, 7 heterozygotes.
Comment: This missense variant replaces aspartic acid with valine at codon 1994 of the APC protein. Computational prediction is inconclusive regarding the impact of this variant on protein structure and function (internally defined REVEL score threshold 0.5 < inconclusive < 0.7, PMID: 27666373). To our knowledge, functional studies have not been reported for this variant. This variant has been reported in an individual affected with colorectal cancer (PMID: 22669205). This variant has been identified in 4/281592 chromosomes in the general population by the Genome Aggregation Database (gnomAD). The available evidence is insufficient to determine the role of this variant in disease conclusively. Therefore, this variant is classified as a Variant of Uncertain Significance.

This study involves interpretation of variants in research participants for the purpose of population health screening. Participant phenotype was not available at the time of variant classification. Additional details can be found in publication PMID: 35346344, PMCID: PMC8962531

GeneDx
Classification: Uncertain significance. Last evaluated: 2024-06-17. Review status: criteria provided, single submitter. Criteria: GeneDx Variant Classification Process June 2021. Collection method: clinical testing. Allele origin: germline. Affected: yes.
Comment: Not observed at significant frequency in large population cohorts (gnomAD); In silico analysis indicates that this missense variant does not alter protein structure/function; Observed in an individual with colon cancer (PMID: 22669205); This variant is associated with the following publications: (PMID: 18199528, 22669205)

Myriad Genetics, Inc.
Classification: Uncertain significance for Familial adenomatous polyposis 1. Last evaluated: 2023-02-15. Review status: criteria provided, single submitter. Criteria: Myriad Autosomal Dominant, Autosomal Recessive and X-Linked Classification Criteria (2023). Collection method: clinical testing. Allele origin: unknown.
Comment: This variant is classified as a variant of uncertain significance as there is insufficient evidence to determine its impact on protein function and/or cancer risk.

Ambry Genetics
Classification: Likely benign for Hereditary cancer-predisposing syndrome. Last evaluated: 2020-05-18. Review status: criteria provided, single submitter. Criteria: Ambry Variant Classification Scheme 2023. Collection method: clinical testing. Allele origin: germline.

Counsyl
Classification: Uncertain significance for Familial adenomatous polyposis 1. Last evaluated: 2017-08-03. Review status: no assertion criteria provided. Collection method: clinical testing. Allele origin: unknown. Not counted in ClinVar's aggregate classification.

Literature cited by the submitters: PubMed 22669205 (cited by 3 submitters).

NM_000038.6(APC):c.5981A>T (p.Asp1994Val)

Gene: APC (APC regulator of Wnt signaling pathway; plus strand). Cytogenetic location: 5q22.2.
Variant type: single nucleotide variant.
Coding change: c.5981A>T on transcript NM_000038.6 (MANE Select); coding-DNA position 5981, A replaced by T.
Protein change: p.Asp1994Val; replaces aspartic acid 1994 with valine.
Molecular consequence: missense variant.
Genome position (GRCh38, 1-based): chr5:112,841,575, A>T. VCF-style: chr5-112841575-A-T. GRCh37 (hg19) VCF-style: chr5-112177272-A-T.
Other names: c.5981A>T, p.Asp1994Val (NM_001127510.3, NM_001354895.2); c.5927A>T, p.Asp1976Val (NM_001127511.3); c.6035A>T, p.Asp2012Val (NM_001354896.2); c.6011A>T, p.Asp2004Val (NM_001354897.2); c.5906A>T, p.Asp1969Val (NM_001354898.2); c.5897A>T, p.Asp1966Val (NM_001354899.2); c.5858A>T, p.Asp1953Val (NM_001354900.2); c.5804A>T, p.Asp1935Val (NM_001354901.2); and 5 more; short protein forms D1976V, D1994V, D1834V, D1903V, D1953V, D1966V, D1868V, D1935V.
Identifiers: ClinVar variation 236626 (VCV000236626.32), dbSNP rs774815653, ClinGen allele CA043598.
Genomic context (GRCh38, chr5:112,841,575, plus strand): 5'-ACATTGACCAAGAAAACAACAATAAAGAAAATGAACCTATCAAAGAGACTGAGCCCCCTG[A>T]CTCACAGGGAGAACCAAGTAAACCTCAAGCATCAGGCTATGCTCCTAAATCATTTCATGT-3'
Protein context (NP_000029.2, residues 1984-2004): NEPIKETEPP[Asp1994Val]SQGEPSKPQA